The following is an entry in ClinVar:

NM_001253697.2(ERBIN):c.2819C>A (p.Thr940Lys)

Gene: ERBIN (erbb2 interacting protein; plus strand). Cytogenetic location: 5q12.3.
Variant type: single nucleotide variant.
Coding change: c.2819C>A on transcript NM_001253697.2 (MANE Select); coding-DNA position 2819, C replaced by A.
Protein change: p.Thr940Lys; replaces threonine 940 with lysine.
Molecular consequence: missense variant.
Genome position (GRCh38, 1-based): chr5:66,054,137, C>A. VCF-style: chr5-66054137-C-A. GRCh37 (hg19) VCF-style: chr5-65349965-C-A.
Other names: c.2819C>A, p.Thr940Lys (NM_001006600.3, NM_001253698.2, NM_001253699.2 and 1 more transcripts); c.2807C>A, p.Thr936Lys (NM_001253701.2); short protein forms T940K, T936K.
Identifiers: ClinVar variation 4782050 (VCV004782050.1).

ClinVar aggregate classification (germline): Uncertain significance (1 of 4 stars; one submission).

gnomAD v4.1: 1 of 1,614,102 alleles (0.000062%); highest among the groups gnomAD compares: Non-Finnish European, 0.000085%; no homozygotes.

Submission:

Labcorp Genetics (formerly Invitae), Labcorp
Classification: Uncertain significance. Last evaluated: 2025-02-16. Review status: criteria provided, single submitter. Criteria: Invitae Variant Classification Sherloc (09022015). Collection method: clinical testing. Allele origin: germline.
Comment: This sequence change replaces threonine, which is neutral and polar, with lysine, which is basic and polar, at codon 940 of the ERBIN protein (p.Thr940Lys). This variant is not present in population databases (gnomAD no frequency). This variant has not been reported in the literature in individuals affected with ERBIN-related conditions. An algorithm developed to predict the effect of missense changes on protein structure and function (PolyPhen-2) suggests that this variant is likely to be tolerated. In summary, the available evidence is currently insufficient to determine the role of this variant in disease. Therefore, it has been classified as a Variant of Uncertain Significance.